The following is an entry in ClinVar:

NM_000379.4(XDH):c.82G>A (p.Ala28Thr)

Gene: XDH (xanthine dehydrogenase; minus strand). Cytogenetic location: 2p23.1.
Variant type: single nucleotide variant.
Coding change: c.82G>A on transcript NM_000379.4 (MANE Select); coding-DNA position 82, G replaced by A.
Protein change: p.Ala28Thr; replaces alanine 28 with threonine.
Molecular consequence: missense variant.
Genome position (GRCh38, 1-based): chr2:31,405,925, C>T on the plus strand (G>A on the coding strand, the complement: XDH is on the minus strand). VCF-style: chr2-31405925-C-T. GRCh37 (hg19) VCF-style: chr2-31628791-C-T.
Other names: short protein forms A28T.
Identifiers: ClinVar variation 2059553 (VCV002059553.4), dbSNP rs752074088, ClinGen allele CA1599793.
Genomic context (GRCh38, chr2:31,405,925, plus strand): 5'-TTGCCCCCCTTCTCCGTCACTCCCACTCCAAAGTCAGGATACACTTTCTTCTCAGGTAGG[C>T]CAAAAGGGTTGTCTCTGGATCTGCATTTTTCTCCACCACCTATTAAAATAAATGAAAGAA-3'
Protein context (NP_000370.2, residues 18-38): KNADPETTLL[Ala28Thr]YLRRKLGLSG

ClinVar aggregate classification (germline): Uncertain significance (1 of 4 stars; one submission).

Conditions:
Xanthinuria type II. Also called: Xanthine dehydrogenase and aldehyde oxidase combined deficiency of; XDH and AOX dual deficiency. Identifiers: Orphanet 3467, Orphanet 93602, MedGen C1863688, MONDO:0011346, OMIM 603592.

Allele frequency attached by ClinVar (database versions not stated): TOPMed 0.00003; ExAC 0.00001.
gnomAD v4.1: 11 of 1,614,052 alleles (0.00068%); highest among the groups gnomAD compares: African/African-American, 0.011%; no homozygotes.

Submission:

Labcorp Genetics (formerly Invitae), Labcorp
Classification: Uncertain significance for Xanthinuria type II. Last evaluated: 2022-04-04. Review status: criteria provided, single submitter. Criteria: Invitae Variant Classification Sherloc (09022015). Collection method: clinical testing. Allele origin: germline.
Comment: In summary, the available evidence is currently insufficient to determine the role of this variant in disease. Therefore, it has been classified as a Variant of Uncertain Significance. Algorithms developed to predict the effect of missense changes on protein structure and function output the following: SIFT: "Tolerated"; PolyPhen-2: "Benign"; Align-GVGD: "Class C0". The threonine amino acid residue is found in multiple mammalian species, which suggests that this missense change does not adversely affect protein function. This variant has not been reported in the literature in individuals affected with XDH-related conditions. This variant is present in population databases (rs752074088, gnomAD 0.003%). This sequence change replaces alanine, which is neutral and non-polar, with threonine, which is neutral and polar, at codon 28 of the XDH protein (p.Ala28Thr).